The following is an entry in ClinVar:

NM_198253.3(TERT):c.68C>A (p.Pro23Gln)

Genes: TERT (telomerase reverse transcriptase; minus strand), LOC110806263 (TERT 5' regulatory region; plus strand). Cytogenetic location: 5p15.33.
Variant type: single nucleotide variant.
Coding change: c.68C>A on transcript NM_198253.3 (MANE Select); coding-DNA position 68, C replaced by A.
Protein change: p.Pro23Gln; replaces proline 23 with glutamine.
Molecular consequence: missense variant. On other transcripts: non-coding transcript variant (2).
Genome position (GRCh38, 1-based): chr5:1,294,922, G>T on the plus strand (C>A on the coding strand, the complement: TERT is on the minus strand). VCF-style: chr5-1294922-G-T. GRCh37 (hg19) VCF-style: chr5-1295037-G-T.
Other names: c.68C>A, p.Pro23Gln (NM_001193376.3, NM_003219.1); short protein forms P23Q.
Identifiers: ClinVar variation 3238480 (VCV003238480.1), dbSNP rs2126692506.

ClinVar aggregate classification (germline): Uncertain significance (1 of 4 stars; one submission).

Conditions:
Dyskeratosis congenita. Identifiers: Orphanet 1775, MedGen C0265965, MONDO:0015780.

Submission:

Ambry Genetics
Classification: Uncertain significance for Dyskeratosis congenita. Last evaluated: 2023-11-28. Review status: criteria provided, single submitter. Criteria: Ambry Variant Classification Scheme 2023. Collection method: clinical testing. Allele origin: germline.
Comment: The p.P23Q variant (also known as c.68C>A), located in coding exon 1 of the TERT gene, results from a C to A substitution at nucleotide position 68. The proline at codon 23 is replaced by glutamine, an amino acid with similar properties. This amino acid position is conserved. In addition, the in silico prediction for this alteration is inconclusive. Since supporting evidence is limited at this time, the clinical significance of this alteration remains unclear.